The following is an entry in ClinVar:

NM_000059.4(BRCA2):c.8315A>C (p.Glu2772Ala)

Gene: BRCA2 (BRCA2 DNA repair associated; plus strand). Cytogenetic location: 13q13.1.
Variant type: single nucleotide variant.
Coding change: c.8315A>C on transcript NM_000059.4 (MANE Select); coding-DNA position 8315, A replaced by C.
Protein change: p.Glu2772Ala; replaces glutamic acid 2772 with alanine.
Molecular consequence: missense variant. On other transcripts: non-coding transcript variant (1).
Genome position (GRCh38, 1-based): chr13:32,363,517, A>C. VCF-style: chr13-32363517-A-C. GRCh37 (hg19) VCF-style: chr13-32937654-A-C.
Other names: c.1898A>C, p.Glu633Ala (NM_001406722.1); c.8219A>C, p.Glu2740Ala (NM_001406719.1); c.8315A>C, p.Glu2772Ala (NM_001406720.1); c.3383A>C, p.Glu1128Ala (NM_001406721.1); short protein forms E2772A, E633A, E1128A, E2740A.
Identifiers: ClinVar variation 2829772 (VCV002829772.4), dbSNP rs1555287082, ClinGen allele CA387750231.
Genomic context (GRCh38, chr13:32,363,517, plus strand): 5'-TTCTTCATGGAGCAGAACTGGTGGGCTCTCCTGATGCCTGTACACCTCTTGAAGCCCCAG[A>C]ATCTCTTATGTTAAAGGTAAATTAATTTGCACTCTTGGTAAAAATCAGTCATTGATTCAG-3'
Protein context (NP_000050.3, residues 2762-2782): PDACTPLEAP[Glu2772Ala]SLMLKISANS

ClinVar aggregate classification (germline): Uncertain significance. Review status: criteria provided, multiple submitters, no conflicts (2 of 4 stars). 2 submissions from 2 submitters: Uncertain significance (2). Last evaluated 2026-09-02.

Conditions:
Hereditary breast ovarian cancer syndrome. Also called: Hereditary breast and ovarian cancer syndrome; Hereditary breast and ovarian cancer syndrome (HBOC); Breast and ovarian cancer; Hereditary breast and/or ovarian cancer syndrome; Hereditary breast and ovarian cancer; BRCA1- and BRCA2-Associated Hereditary Breast and Ovarian Cancer. Identifiers: Orphanet 145, MedGen C0677776, MeSH D061325, MONDO:0003582. Disease mechanism: loss of function.
Hereditary cancer-predisposing syndrome. Also called: Hereditary Cancer Syndrome; Hereditary neoplastic syndrome; Neoplastic Syndromes, Hereditary; Tumor predisposition. Identifiers: Orphanet 140162, MedGen C0027672, MeSH D009386, MONDO:0015356.

gnomAD v4.1: 1 of 1,613,506 alleles (0.000062%); no homozygotes.

Submissions (2):

Ambry Genetics
Classification: Uncertain significance for Hereditary cancer-predisposing syndrome. Last evaluated: 2026-09-02. Review status: criteria provided, single submitter. Criteria: Ambry Variant Classification Scheme 2023. Collection method: clinical testing. Allele origin: germline.
Comment: The p.E2772A variant (also known as c.8315A>C), located in coding exon 17 of the BRCA2 gene, results from an A to C substitution at nucleotide position 8315. The glutamic acid at codon 2772 is replaced by alanine, an amino acid with dissimilar properties. The results from two saturation genome editing-based studies, including a haploid cell-survival assay and a humanized mouse embryonic stem cell line assay of drug response and survival, are discordant for this nucleotide substitution (Huang H et al. Nature. 2025 Feb;638(8050):528-537; Sahu S et al. Nature. 2025 Feb;638(8050):538-545).This amino acid position is not well conserved in available vertebrate species. In addition, the in silico prediction for this alteration is inconclusive. Based on the available evidence, the clinical significance of this variant remains unclear.

Labcorp Genetics (formerly Invitae), Labcorp
Classification: Uncertain significance for Hereditary breast ovarian cancer syndrome. Last evaluated: 2023-03-24. Review status: criteria provided, single submitter. Criteria: Invitae Variant Classification Sherloc (09022015). Collection method: clinical testing. Allele origin: germline.
Comment: This sequence change replaces glutamic acid, which is acidic and polar, with alanine, which is neutral and non-polar, at codon 2772 of the BRCA2 protein (p.Glu2772Ala). This variant is not present in population databases (gnomAD no frequency). This variant has not been reported in the literature in individuals affected with BRCA2-related conditions. Advanced modeling of protein sequence and biophysical properties (such as structural, functional, and spatial information, amino acid conservation, physicochemical variation, residue mobility, and thermodynamic stability) performed at Invitae indicates that this missense variant is not expected to disrupt BRCA2 protein function. In summary, the available evidence is currently insufficient to determine the role of this variant in disease. Therefore, it has been classified as a Variant of Uncertain Significance.